The following is an entry in ClinVar:

NM_001347886.2(DNAH3):c.4540G>C (p.Ala1514Pro)

Gene: DNAH3 (dynein axonemal heavy chain 3; minus strand). Cytogenetic location: 16p12.3.
Variant type: single nucleotide variant.
Coding change: c.4540G>C on transcript NM_001347886.2 (MANE Select); coding-DNA position 4540, G replaced by C.
Protein change: p.Ala1514Pro; replaces alanine 1514 with proline.
Molecular consequence: missense variant.
Genome position (GRCh38, 1-based): chr16:21,039,904, C>G on the plus strand (G>C on the coding strand, the complement: DNAH3 is on the minus strand). VCF-style: chr16-21039904-C-G. GRCh37 (hg19) VCF-style: chr16-21051226-C-G.
Other names: c.4678G>C, p.Ala1560Pro (NM_017539.2); short protein forms A1560P, A1514P.
Identifiers: ClinVar variation 4660953 (VCV004660953.2).

ClinVar aggregate classification (germline): Uncertain significance. Review status: criteria provided, multiple submitters, no conflicts (2 of 4 stars). 2 submissions from 2 submitters: Uncertain significance (2). Last evaluated 2026-03-03.

gnomAD v4.1: 7 of 1,613,488 alleles (0.00043%); highest among the groups gnomAD compares: Admixed American, 0.012%; no homozygotes.

Submissions (2):

GeneDx
Classification: Uncertain significance. Last evaluated: 2026-03-03. Review status: criteria provided, single submitter. Criteria: GeneDx Variant Classification Process June 2021. Collection method: clinical testing. Allele origin: germline.
Comment: In silico analysis supports that this missense variant has a deleterious effect on protein structure/function; Has not been previously published as pathogenic or benign to our knowledge

Ambry Genetics
Classification: Uncertain significance. Last evaluated: 2025-10-07. Review status: criteria provided, single submitter. Criteria: Ambry Variant Classification Scheme 2023. Collection method: clinical testing. Allele origin: germline.